The following is an entry in ClinVar:

ClinVar aggregate classification (germline): Uncertain significance. Review status: criteria provided, multiple submitters, no conflicts (2 of 4 stars). 2 submissions from 2 submitters: Uncertain significance (2). Last evaluated 2025-01-16.

Conditions:
Inborn genetic diseases. Identifiers: MedGen C0950123, MeSH D030342.

gnomAD v4.1: 23 of 1,612,686 alleles (0.0014%); highest among the groups gnomAD compares: South Asian, 0.0077%; no homozygotes.

Submissions (2):

Ambry Genetics
Classification: Uncertain significance for Inborn genetic diseases. Last evaluated: 2025-01-16. Review status: criteria provided, single submitter. Criteria: Ambry Variant Classification Scheme 2023. Collection method: clinical testing. Allele origin: germline.

GeneDx
Classification: Uncertain significance. Last evaluated: 2023-12-29. Review status: criteria provided, single submitter. Criteria: GeneDx Variant Classification Process June 2021. Collection method: clinical testing. Allele origin: germline. Affected: yes.
Comment: Not observed at significant frequency in large population cohorts (gnomAD); In silico analysis supports that this missense variant has a deleterious effect on protein structure/function; In silico analysis suggests this variant may impact gene splicing. In the absence of RNA/functional studies, the actual effect of this sequence change is unknown.; Has not been previously published as pathogenic or benign to our knowledge

NM_032409.3(PINK1):c.977G>A (p.Arg326His)

Genes: PINK1 (PTEN induced kinase 1; plus strand), PINK1-AS (PINK1 antisense RNA; minus strand). Cytogenetic location: 1p36.12.
Variant type: single nucleotide variant.
Coding change: c.977G>A on transcript NM_032409.3 (MANE Select); coding-DNA position 977, G replaced by A.
Protein change: p.Arg326His; replaces arginine 326 with histidine.
Molecular consequence: missense variant.
Genome position (GRCh38, 1-based): chr1:20,645,577, G>A. VCF-style: chr1-20645577-G-A. GRCh37 (hg19) VCF-style: chr1-20972070-G-A.
Other names: short protein forms R326H.
Identifiers: ClinVar variation 3367258 (VCV003367258.2).